The following is an entry in ClinVar:

NM_001005361.3(DNM2):c.1196+619C>T

Gene: DNM2 (dynamin 2; plus strand). Cytogenetic location: 19p13.2.
Variant type: single nucleotide variant.
Coding change: c.1196+619C>T on transcript NM_001005361.3 (MANE Select); 619 bases into the intron after coding-DNA position 1196, C replaced by T.
Molecular consequence: intron variant.
Genome position (GRCh38, 1-based): chr19:10,796,058, C>T. VCF-style: chr19-10796058-C-T. GRCh37 (hg19) VCF-style: chr19-10906734-C-T.
Other names: c.1197-3C>T (NM_001005360.3, NM_001190716.2, NM_004945.4); c.1196+619C>T (NM_001005362.3).
Identifiers: ClinVar variation 1403498 (VCV001403498.7), dbSNP rs748695148, ClinGen allele CA2573155546.

ClinVar aggregate classification (germline): Uncertain significance (1 of 4 stars; one submission).

Conditions:
Charcot-Marie-Tooth disease dominant intermediate B (CMTDIB). Also called: Charcot-Marie-Tooth disease dominant intermediate 1; CMT DI1; Charcot-Marie-Tooth disease dominant intermediate I; CHARCOT-MARIE-TOOTH NEUROPATHY, DOMINANT INTERMEDIATE B. Identifiers: Orphanet 100044, Orphanet 228179, MedGen C1847902, MONDO:0011674, OMIM 606482.

Submission:

Labcorp Genetics (formerly Invitae), Labcorp
Classification: Uncertain significance for Charcot-Marie-Tooth disease dominant intermediate B. Last evaluated: 2021-11-28. Review status: criteria provided, single submitter. Criteria: Invitae Variant Classification Sherloc (09022015). Collection method: clinical testing. Allele origin: germline.
Comment: This sequence change falls in intron 9 of the DNM2 gene. It does not directly change the encoded amino acid sequence of the DNM2 protein. It affects a nucleotide within the consensus splice site. In summary, the available evidence is currently insufficient to determine the role of this variant in disease. Therefore, it has been classified as a Variant of Uncertain Significance. Variants that disrupt the consensus splice site are a relatively common cause of aberrant splicing (PMID: 17576681, 9536098). Algorithms developed to predict the effect of sequence changes on RNA splicing suggest that this variant is not likely to affect RNA splicing. This variant has not been reported in the literature in individuals affected with DNM2-related conditions. This variant is not present in population databases (gnomAD no frequency).

Literature cited by the submitters: PubMed 17576681; PubMed 9536098.